The following is an entry in ClinVar:

NM_152393.4(KLHL40):c.776A>C (p.Asp259Ala)

Gene: KLHL40 (kelch like family member 40; plus strand). Cytogenetic location: 3p22.1.
Variant type: single nucleotide variant.
Coding change: c.776A>C on transcript NM_152393.4 (MANE Select); coding-DNA position 776, A replaced by C.
Protein change: p.Asp259Ala; replaces aspartic acid 259 with alanine.
Molecular consequence: missense variant.
Genome position (GRCh38, 1-based): chr3:42,686,394, A>C. VCF-style: chr3-42686394-A-C. GRCh37 (hg19) VCF-style: chr3-42727886-A-C.
Other names: short protein forms D259A.
Identifiers: ClinVar variation 1376093 (VCV001376093.6), dbSNP rs2125844799, ClinGen allele CA352290892.

ClinVar aggregate classification (germline): Uncertain significance (1 of 4 stars; one submission).

Conditions:
Nemaline myopathy 8 (NEM8). Also called: Nemaline myopathy 8, autosomal recessive. Identifiers: Orphanet 171430, MedGen C3809209, MONDO:0014138, OMIM 615348.

Submission:

Labcorp Genetics (formerly Invitae), Labcorp
Classification: Uncertain significance for Nemaline myopathy 8. Last evaluated: 2021-08-19. Review status: criteria provided, single submitter. Criteria: Invitae Variant Classification Sherloc (09022015). Collection method: clinical testing. Allele origin: germline.
Comment: Algorithms developed to predict the effect of missense changes on protein structure and function (SIFT, PolyPhen-2, Align-GVGD) all suggest that this variant is likely to be disruptive. This variant has not been reported in the literature in individuals affected with KLHL40-related conditions. This variant is not present in population databases (ExAC no frequency). This sequence change replaces aspartic acid with alanine at codon 259 of the KLHL40 protein (p.Asp259Ala). The aspartic acid residue is highly conserved and there is a moderate physicochemical difference between aspartic acid and alanine. In summary, the available evidence is currently insufficient to determine the role of this variant in disease. Therefore, it has been classified as a Variant of Uncertain Significance.